The following is an entry in ClinVar:

NM_001482.3(GATM):c.70-2A>C

Gene: GATM (glycine amidinotransferase; minus strand). Cytogenetic location: 15q21.1.
Variant type: single nucleotide variant.
Coding change: c.70-2A>C on transcript NM_001482.3 (MANE Select); the canonical splice acceptor site of the intron before coding-DNA position 70, A replaced by C.
Molecular consequence: splice acceptor variant.
Genome position (GRCh38, 1-based): chr15:45,376,821, T>G on the plus strand (A>C on the coding strand, the complement: GATM is on the minus strand). VCF-style: chr15-45376821-T-G. GRCh37 (hg19) VCF-style: chr15-45669019-T-G.
Other names: c.-318-2A>C (NM_001321015.2).
Identifiers: ClinVar variation 2709818 (VCV002709818.3), dbSNP rs2542006088, ClinGen allele CA392266087.

ClinVar aggregate classification (germline): Likely pathogenic (1 of 4 stars; one submission).

Conditions:
Arginine:glycine amidinotransferase deficiency (CCDS3). Also called: Cerebral creatine deficiency syndrome 3; AGAT deficiency; L-Arginine:Glycine Amidinotransferase Deficiency; Creatine deficiency syndrome due to AGAT deficiency; GATM deficiency; L-Arginine:Glycine Amidinotransferase (AGAT) Deficiency. Identifiers: Orphanet 35704, MedGen C2675179, MONDO:0012996, OMIM 612718.

Submission:

Labcorp Genetics (formerly Invitae), Labcorp
Classification: Likely pathogenic for Arginine:glycine amidinotransferase deficiency. Last evaluated: 2024-01-17. Review status: criteria provided, single submitter. Criteria: Invitae Variant Classification Sherloc (09022015). Collection method: clinical testing. Allele origin: germline.
Comment: This sequence change affects an acceptor splice site in intron 1 of the GATM gene. It is expected to disrupt RNA splicing. Variants that disrupt the donor or acceptor splice site typically lead to a loss of protein function (PMID: 16199547), and loss-of-function variants in GATM are known to be pathogenic (PMID: 11555793). This variant is not present in population databases (gnomAD no frequency). This variant has not been reported in the literature in individuals affected with GATM-related conditions. Algorithms developed to predict the effect of sequence changes on RNA splicing suggest that this variant may disrupt the consensus splice site. In summary, the currently available evidence indicates that the variant is pathogenic, but additional data are needed to prove that conclusively. Therefore, this variant has been classified as Likely Pathogenic.

Literature cited by the submitters: PubMed 16199547; PubMed 11555793.